The following is an entry in ClinVar:

NM_000548.5(TSC2):c.599+2T>A

Gene: TSC2 (TSC complex subunit 2; plus strand). Cytogenetic location: 16p13.3.
Variant type: single nucleotide variant.
Coding change: c.599+2T>A on transcript NM_000548.5 (MANE Select); the canonical splice donor site of the intron after coding-DNA position 599, T replaced by A.
Molecular consequence: splice donor variant. On other transcripts: intron variant (6).
Genome position (GRCh38, 1-based): chr16:2,055,521, T>A. VCF-style: chr16-2055521-T-A. GRCh37 (hg19) VCF-style: chr16-2105522-T-A.
Other names: c.488+2T>A (NM_001318827.2, NM_001406678.1, NM_001406670.1); c.-1-675T>A (NM_001406682.1, NM_001406684.1, NM_001406685.1 and 3 more transcripts); c.542+2T>A (NM_001406677.1); c.452+2T>A (NM_001406675.1, NM_001406676.1, NM_001318829.2 and 1 more transcripts); c.632+2T>A (NM_001318832.2); c.-218+2T>A (NM_001406680.1, NM_001406683.1, NM_001406687.1); c.-833+2T>A (NM_001406689.1, NM_001406690.1, NM_001406692.1 and 2 more transcripts); c.-1009+2T>A (NM_001406698.1); and 6 more.
Identifiers: ClinVar variation 2130841 (VCV002130841.4), dbSNP rs45484992, ClinGen allele CA394309957.

ClinVar aggregate classification (germline): Pathogenic (1 of 4 stars; one submission).

Conditions:
Tuberous sclerosis 2 (TSC2). Identifiers: Orphanet 805, MedGen C1860707, MONDO:0013199, OMIM 613254.

Submission:

Labcorp Genetics (formerly Invitae), Labcorp
Classification: Pathogenic for Tuberous sclerosis 2. Last evaluated: 2023-07-14. Review status: criteria provided, single submitter. Criteria: Invitae Variant Classification Sherloc (09022015). Collection method: clinical testing. Allele origin: germline.
Comment: For these reasons, this variant has been classified as Pathogenic. Algorithms developed to predict the effect of sequence changes on RNA splicing suggest that this variant may disrupt the consensus splice site. ClinVar contains an entry for this variant (Variation ID: 2130841). Disruption of this splice site has been observed in individual(s) with tuberous sclerosis complex (PMID: 21811971). This variant is not present in population databases (gnomAD no frequency). This sequence change affects a donor splice site in intron 6 of the TSC2 gene. It is expected to disrupt RNA splicing. Variants that disrupt the donor or acceptor splice site typically lead to a loss of protein function (PMID: 16199547), and loss-of-function variants in TSC2 are known to be pathogenic (PMID: 10205261, 17304050).

Literature cited by the submitters: PubMed 21811971; PubMed 16199547; PubMed 10205261; PubMed 17304050.